The following is an entry in ClinVar:

ClinVar aggregate classification (germline): Uncertain significance (1 of 4 stars; one submission).

Submission:

Labcorp Genetics (formerly Invitae), Labcorp
Classification: Uncertain significance. Last evaluated: 2022-10-24. Review status: criteria provided, single submitter. Criteria: Invitae Variant Classification Sherloc (09022015). Collection method: clinical testing. Allele origin: germline.
Comment: This sequence change replaces alanine, which is neutral and non-polar, with serine, which is neutral and polar, at codon 2219 of the GPR179 protein (p.Ala2219Ser). This variant is not present in population databases (gnomAD no frequency). This variant has not been reported in the literature in individuals affected with GPR179-related conditions. Algorithms developed to predict the effect of missense changes on protein structure and function are either unavailable or do not agree on the potential impact of this missense change (SIFT: "Deleterious"; PolyPhen-2: "Possibly Damaging"; Align-GVGD: "Class C0"). In summary, the available evidence is currently insufficient to determine the role of this variant in disease. Therefore, it has been classified as a Variant of Uncertain Significance.

NM_001004334.4(GPR179):c.6655G>T (p.Ala2219Ser)

Gene: GPR179 (G protein-coupled receptor 179; minus strand). Cytogenetic location: 17q12.
Variant type: single nucleotide variant.
Coding change: c.6655G>T on transcript NM_001004334.4 (MANE Select); coding-DNA position 6655, G replaced by T.
Protein change: p.Ala2219Ser; replaces alanine 2219 with serine.
Molecular consequence: missense variant.
Genome position (GRCh38, 1-based): chr17:38,326,914, C>A on the plus strand (G>T on the coding strand, the complement: GPR179 is on the minus strand). VCF-style: chr17-38326914-C-A. GRCh37 (hg19) VCF-style: chr17-36482797-C-A.
Other names: short protein forms A2219S.
Identifiers: ClinVar variation 2099153 (VCV002099153.1), dbSNP rs2512155513, ClinGen allele CA398868864.